The following is an entry in ClinVar:

ClinVar aggregate classification (germline): Uncertain significance (1 of 4 stars; one submission).

gnomAD v4.1: 1 of 1,611,760 alleles (0.000062%); highest among the groups gnomAD compares: Non-Finnish European, 0.000085%; no homozygotes.

Submission:

GeneDx
Classification: Uncertain significance. Last evaluated: 2024-09-29. Review status: criteria provided, single submitter. Criteria: GeneDx Variant Classification Process June 2021. Collection method: clinical testing. Allele origin: germline. Affected: yes.
Comment: Not observed at significant frequency in large population cohorts (gnomAD); In silico analysis indicates that this missense variant does not alter protein structure/function; Has not been previously published as pathogenic or benign to our knowledge

NM_006946.4(SPTBN2):c.5380G>T (p.Gly1794Cys)

Gene: SPTBN2 (spectrin beta, non-erythrocytic 2; minus strand). Cytogenetic location: 11q13.2.
Variant type: single nucleotide variant.
Coding change: c.5380G>T on transcript NM_006946.4 (MANE Select); coding-DNA position 5380, G replaced by T.
Protein change: p.Gly1794Cys; replaces glycine 1794 with cysteine.
Molecular consequence: missense variant.
Genome position (GRCh38, 1-based): chr11:66,691,469, C>A on the plus strand (G>T on the coding strand, the complement: SPTBN2 is on the minus strand). VCF-style: chr11-66691469-C-A. GRCh37 (hg19) VCF-style: chr11-66458940-C-A.
Other names: c.5401G>T, p.Gly1801Cys (NM_001411025.1); short protein forms G1794C, G1801C.
Identifiers: ClinVar variation 3774875 (VCV003774875.1).